The following is an entry in ClinVar:

NM_138694.4(PKHD1):c.8807A>G (p.His2936Arg)

Gene: PKHD1 (PKHD1 ciliary IPT domain containing fibrocystin/polyductin; minus strand). Cytogenetic location: 6p12.3.
Variant type: single nucleotide variant.
Coding change: c.8807A>G on transcript NM_138694.4 (MANE Select); coding-DNA position 8807, A replaced by G.
Protein change: p.His2936Arg; replaces histidine 2936 with arginine.
Molecular consequence: missense variant.
Genome position (GRCh38, 1-based): chr6:51,753,344, T>C on the plus strand (A>G on the coding strand, the complement: PKHD1 is on the minus strand). VCF-style: chr6-51753344-T-C. GRCh37 (hg19) VCF-style: chr6-51618142-T-C.
Other names: c.8807A>G, p.His2936Arg (NM_170724.3); c.8807A>G (NM_138694.3); short protein forms H2936R.
Identifiers: ClinVar variation 2166780 (VCV002166780.3), dbSNP rs1360667731, ClinGen allele CA364427262.

ClinVar aggregate classification (germline): Uncertain significance. Review status: criteria provided, single submitter (1 of 4 stars). 2 submissions from 2 submitters: Uncertain significance (1). 1 of the submissions does not count toward it. Last evaluated 2022-08-22.

Conditions:
PKHD1-related disorder. Also called: PKHD1-related condition.
Autosomal recessive polycystic kidney disease (ARPKD). Also called: AR polycystic kidney disease. Identifiers: Orphanet 731, Orphanet 8378, MedGen C0085548, MeSH D017044, MONDO:0009889.

Allele frequency attached by ClinVar (database versions not stated): TOPMed below 0.00001.
gnomAD v4.1: 2 of 1,613,680 alleles (0.00012%); highest among the groups gnomAD compares: Admixed American, 0.0017%; no homozygotes.

Submissions (2):

Labcorp Genetics (formerly Invitae), Labcorp
Classification: Uncertain significance for Autosomal recessive polycystic kidney disease. Last evaluated: 2022-08-22. Review status: criteria provided, single submitter. Criteria: Invitae Variant Classification Sherloc (09022015). Collection method: clinical testing. Allele origin: germline.
Comment: This sequence change replaces histidine, which is basic and polar, with arginine, which is basic and polar, at codon 2936 of the PKHD1 protein (p.His2936Arg). This variant is not present in population databases (gnomAD no frequency). This missense change has been observed in individual(s) with polycystic kidney disease (Invitae). Advanced modeling of protein sequence and biophysical properties (such as structural, functional, and spatial information, amino acid conservation, physicochemical variation, residue mobility, and thermodynamic stability) performed at Invitae indicates that this missense variant is expected to disrupt PKHD1 protein function. In summary, the available evidence is currently insufficient to determine the role of this variant in disease. Therefore, it has been classified as a Variant of Uncertain Significance.

PreventionGenetics, part of Exact Sciences
Classification: Uncertain significance for PKHD1-related condition. Last evaluated: 2024-01-03. Review status: no assertion criteria provided. Collection method: clinical testing. Allele origin: germline. Not counted in ClinVar's aggregate classification.
Comment: The PKHD1 c.8807A>G variant is predicted to result in the amino acid substitution p.His2936Arg. To our knowledge, this variant has not been reported in the literature or in a large population database, indicating this variant is rare. At this time, the clinical significance of this variant is uncertain due to the absence of conclusive functional and genetic evidence.